The following is an entry in ClinVar:

NM_018972.4(GDAP1):c.480T>A (p.Ile160=)

Gene: GDAP1 (ganglioside induced differentiation associated protein 1; plus strand). Cytogenetic location: 8q21.11.
Variant type: single nucleotide variant.
Coding change: c.480T>A on transcript NM_018972.4 (MANE Select); coding-DNA position 480, T replaced by A.
Protein change: p.Ile160=; no amino-acid change (isoleucine 160 retained).
Molecular consequence: synonymous variant. On other transcripts: intron variant (1).
Genome position (GRCh38, 1-based): chr8:74,360,306, T>A. VCF-style: chr8-74360306-T-A. GRCh37 (hg19) VCF-style: chr8-75272541-T-A.
Other names: c.276T>A, p.Ile92= (NM_001040875.4); c.153T>A, p.Ile51= (NM_001362929.2, NM_001362932.2); c.480T>A, p.Ile160= (NM_001362931.2); c.311-1578T>A (NM_001362930.2).
Identifiers: ClinVar variation 668239 (VCV000668239.11), dbSNP rs1586803400, ClinGen allele CA461551044.
Genomic context (GRCh38, chr8:74,360,306, plus strand): 5'-CATTTTACATCCTGAGTTAACTGTGGACTCCATGATCCCGGCTTATGCAACTACAAGGAT[T>A]CGTAGTATGTAAACATTTTAAAGACCTGGAATTCTGTCTGACACTTTCTTTTAATTCATT-3'
Protein context (NP_061845.2, residues 150-170): SMIPAYATTR[Ile160=]RSQIGNTESE

ClinVar aggregate classification (germline): Likely benign. Review status: criteria provided, multiple submitters, no conflicts (2 of 4 stars). 3 submissions from 3 submitters: Likely benign (3). Last evaluated 2025-07-02.

Conditions:
Charcot-Marie-Tooth disease type 4A. Also called: Charcot-Marie-Tooth disease, demyelinating, autosomal recessive, type 4a. Identifiers: Orphanet 99948, MedGen C1859198, MONDO:0008961, OMIM 214400.

Allele frequency attached by ClinVar (database versions not stated): gnomAD exomes below 0.00001; TOPMed below 0.00001.
gnomAD v4.1: 2 of 1,612,912 alleles (0.00012%); highest among the groups gnomAD compares: Non-Finnish European, 0.00017%; no homozygotes.

Submissions (3):

Women's Health and Genetics/Laboratory Corporation of America, LabCorp
Classification: Likely benign. Last evaluated: 2025-07-02. Review status: criteria provided, single submitter. Criteria: LabCorp Variant Classification Summary - May 2015. Collection method: clinical testing. Allele origin: germline.

Labcorp Genetics (formerly Invitae), Labcorp
Classification: Likely benign for Charcot-Marie-Tooth disease type 4A. Last evaluated: 2024-05-17. Review status: criteria provided, single submitter. Criteria: Invitae Variant Classification Sherloc (09022015). Collection method: clinical testing. Allele origin: germline.

GeneDx
Classification: Likely benign. Last evaluated: 2018-05-08. Review status: criteria provided, single submitter. Criteria: GeneDx Variant Classification (06012015). Collection method: clinical testing. Allele origin: germline. Affected: yes.
Comment: This variant is considered likely benign or benign based on one or more of the following criteria: it is a conservative change, it occurs at a poorly conserved position in the protein, it is predicted to be benign by multiple in silico algorithms, and/or has population frequency not consistent with disease.